The following is an entry in ClinVar:

ClinVar aggregate classification (germline): Benign. Review status: criteria provided, multiple submitters, no conflicts (2 of 4 stars). 2 submissions from 2 submitters: Benign (2). Last evaluated 2018-01-13.

Conditions:
Neuronopathy, distal hereditary motor, autosomal recessive 4. Also called: Autosomal recessive lower motor neuron disease with childhood onset; NEUROPATHY, DISTAL HEREDITARY MOTOR, AUTOSOMAL RECESSIVE 4. Identifiers: Orphanet 206580, MedGen C1970211, MONDO:0012608, OMIM 611067.

Allele frequency attached by ClinVar (database versions not stated): gnomAD exomes 0.05185; gnomAD 0.19422 and 0.18518; 1000 Genomes Project 0.20108; 1000 Genomes Project 30x 0.21377; TOPMed 0.20476.

Submissions (2):

Illumina Laboratory Services, Illumina
Classification: Benign for Neuronopathy, distal hereditary motor, autosomal recessive 4. Last evaluated: 2018-01-13. Review status: criteria provided, single submitter. Criteria: ICSL Variant Classification Criteria 13 December 2019. Collection method: clinical testing. Allele origin: germline.
Comment: This variant was observed in the ICSL laboratory as part of a predisposition screen in an ostensibly healthy population. It had not been previously curated by ICSL or reported in the Human Gene Mutation Database (HGMD: prior to June 1st, 2018), and was therefore a candidate for classification through an automated scoring system. Utilizing variant allele frequency, disease prevalence and penetrance estimates, and inheritance mode, an automated score was calculated to assess if this variant is too frequent to cause the disease. Based on the score and internal cut-off values, a variant classified as benign is not then subjected to further curation. The score for this variant resulted in a classification of benign for this disease.

Breakthrough Genomics
Classification: Benign. Review status: criteria provided, single submitter. Criteria: ACMG Guidelines, 2015. Collection method: not provided. Allele origin: germline. Inheritance: Autosomal recessive inheritance. Affected: yes.

NM_020631.4(PLEKHG5):c.*990C>T

Gene: PLEKHG5 (pleckstrin homology and RhoGEF domain containing G5; minus strand). Cytogenetic location: 1p36.31.
Variant type: single nucleotide variant.
Coding change: c.*990C>T on transcript NM_020631.4; 990 bases downstream of the stop codon, C replaced by T.
Genome position (GRCh38, 1-based): chr1:6,466,573, G>A on the plus strand (C>T on the coding strand, the complement: PLEKHG5 is on the minus strand). VCF-style: chr1-6466573-G-A. GRCh37 (hg19) VCF-style: chr1-6526633-G-A.
Identifiers: ClinVar variation 297916 (VCV000297916.8), dbSNP rs3007418, ClinGen allele CA10611552.
Genomic context (GRCh38, chr1:6,466,573, plus strand): 5'-AGGGGCCAAGCGCAGTAGCTCAGGCCTGTAATTCTAGCACTATGGGAGGCAGAGGCGGGC[G>A]GAACACTTGGGGTCAGGAGTTCGAGACCAGCCTGACCAATATGGTGAAATGCCGTCTCTA-3'